The following is an entry in ClinVar:

ClinVar aggregate classification (germline): Uncertain significance (1 of 4 stars; one submission).

Conditions:
Pitt-Hopkins-like syndrome 2 (PTHSL2). Identifiers: Orphanet 221150, Orphanet 600663, MedGen C3280479, MONDO:0013690, OMIM 614325.

Submission:

Labcorp Genetics (formerly Invitae), Labcorp
Classification: Uncertain significance for Pitt-Hopkins-like syndrome 2. Last evaluated: 2020-02-17. Review status: criteria provided, single submitter. Criteria: Invitae Variant Classification Sherloc (09022015). Collection method: clinical testing. Allele origin: germline.
Comment: This sequence change replaces aspartic acid with valine at codon 945 of the NRXN1 protein (p.Asp945Val). The aspartic acid residue is highly conserved and there is a large physicochemical difference between aspartic acid and valine. This variant is not present in population databases (ExAC no frequency). This variant has not been reported in the literature in individuals with NRXN1-related conditions. Algorithms developed to predict the effect of missense changes on protein structure and function are either unavailable or do not agree on the potential impact of this missense change (SIFT: "Tolerated"; PolyPhen-2: "Possibly Damaging"; Align-GVGD: "Class C0"). In summary, the available evidence is currently insufficient to determine the role of this variant in disease. Therefore, it has been classified as a Variant of Uncertain Significance.

NM_001330078.2(NRXN1):c.2714A>T (p.Asp905Val)

Gene: NRXN1 (neurexin 1; minus strand). Cytogenetic location: 2p16.3.
Variant type: single nucleotide variant.
Coding change: c.2714A>T on transcript NM_001330078.2 (MANE Select); coding-DNA position 2714, A replaced by T.
Protein change: p.Asp905Val; replaces aspartic acid 905 with valine.
Molecular consequence: missense variant.
Genome position (GRCh38, 1-based): chr2:50,497,498, T>A on the plus strand (A>T on the coding strand, the complement: NRXN1 is on the minus strand). VCF-style: chr2-50497498-T-A. GRCh37 (hg19) VCF-style: chr2-50724636-T-A.
Other names: c.2834A>T, p.Asp945Val (NM_001135659.3); c.2690A>T, p.Asp897Val (NM_001330077.2, NM_001330082.2); c.2648A>T, p.Asp883Val (NM_001330083.2, NM_001330084.2); c.2687A>T, p.Asp896Val (NM_001330085.2); c.2714A>T, p.Asp905Val (NM_001330086.2, NM_004801.6); c.2603A>T, p.Asp868Val (NM_001330087.2, NM_001330096.2); c.2633A>T, p.Asp878Val (NM_001330088.2); c.2711A>T, p.Asp904Val (NM_001330093.2); and 2 more; short protein forms D878V, D904V, D868V, D883V, D905V, D888V, D896V, D897V.
Identifiers: ClinVar variation 1046485 (VCV001046485.9), dbSNP rs771543732, ClinGen allele CA346777033.